The following is an entry in ClinVar:

NM_177924.5(ASAH1):c.872G>T (p.Gly291Val)

Gene: ASAH1 (N-acylsphingosine amidohydrolase 1; minus strand). Cytogenetic location: 8p22.
Variant type: single nucleotide variant.
Coding change: c.872G>T on transcript NM_177924.5 (MANE Select); coding-DNA position 872, G replaced by T.
Protein change: p.Gly291Val; replaces glycine 291 with valine.
Molecular consequence: missense variant.
Genome position (GRCh38, 1-based): chr8:18,059,617, C>A on the plus strand (G>T on the coding strand, the complement: ASAH1 is on the minus strand). VCF-style: chr8-18059617-C-A. GRCh37 (hg19) VCF-style: chr8-17917126-C-A.
Other names: c.854G>T, p.Gly285Val (NM_001127505.3); c.677G>T, p.Gly226Val (NM_001363743.2); c.920G>T, p.Gly307Val (NM_004315.6); short protein forms G291V, G226V, G285V, G307V.
Identifiers: ClinVar variation 1478626 (VCV001478626.6), dbSNP rs776590059, ClinGen allele CA4650648.

ClinVar aggregate classification (germline): Uncertain significance (1 of 4 stars; one submission).

Allele frequency attached by ClinVar (database versions not stated): gnomAD exomes below 0.00001; ExAC 0.00001; gnomAD 0.00001.
gnomAD v4.1: 4 of 1,614,100 alleles (0.00025%); highest among the groups gnomAD compares: African/African-American, 0.0013%; no homozygotes.

Submission:

Labcorp Genetics (formerly Invitae), Labcorp
Classification: Uncertain significance. Last evaluated: 2022-09-06. Review status: criteria provided, single submitter. Criteria: Invitae Variant Classification Sherloc (09022015). Collection method: clinical testing. Allele origin: germline.
Comment: In summary, the available evidence is currently insufficient to determine the role of this variant in disease. Therefore, it has been classified as a Variant of Uncertain Significance. Algorithms developed to predict the effect of sequence changes on RNA splicing suggest that this variant may create or strengthen a splice site. Algorithms developed to predict the effect of missense changes on protein structure and function are either unavailable or do not agree on the potential impact of this missense change (SIFT: "Deleterious"; PolyPhen-2: "Probably Damaging"; Align-GVGD: "Class C15"). ClinVar contains an entry for this variant (Variation ID: 1478626). This variant has not been reported in the literature in individuals affected with ASAH1-related conditions. This variant is present in population databases (rs776590059, gnomAD 0.007%). This sequence change replaces glycine, which is neutral and non-polar, with valine, which is neutral and non-polar, at codon 291 of the ASAH1 protein (p.Gly291Val).